The following is an entry in ClinVar:

ClinVar aggregate classification (germline): Conflicting classifications of pathogenicity. Review status: criteria provided, conflicting classifications (1 of 4 stars). 2 submissions from 2 submitters: Uncertain significance (1); Likely benign (1). Last evaluated 2024-08-14.

Conditions:
Inborn genetic diseases. Identifiers: MedGen C0950123, MeSH D030342.

Allele frequency attached by ClinVar (database versions not stated): ExAC 0.00024.
gnomAD v4.1: 41 of 1,566,888 alleles (0.0026%); highest among the groups gnomAD compares: Admixed American, 0.024%; no homozygotes.

Submissions (2):

Labcorp Genetics (formerly Invitae), Labcorp
Classification: Uncertain significance. Last evaluated: 2024-08-14. Review status: criteria provided, single submitter. Criteria: Invitae Variant Classification Sherloc (09022015). Collection method: clinical testing. Allele origin: germline.
Comment: This sequence change replaces arginine, which is basic and polar, with glutamine, which is neutral and polar, at codon 2 of the AMH protein (p.Arg2Gln). This variant is present in population databases (rs767665662, gnomAD 0.03%). This variant has not been reported in the literature in individuals affected with AMH-related conditions. ClinVar contains an entry for this variant (Variation ID: 1909084). An algorithm developed to predict the effect of missense changes on protein structure and function outputs the following: PolyPhen-2: "Not Available". The glutamine amino acid residue is found in multiple mammalian species, which suggests that this missense change does not adversely affect protein function. In summary, the available evidence is currently insufficient to determine the role of this variant in disease. Therefore, it has been classified as a Variant of Uncertain Significance.

Ambry Genetics
Classification: Likely benign for Inborn genetic diseases. Last evaluated: 2023-02-28. Review status: criteria provided, single submitter. Criteria: Ambry Variant Classification Scheme 2023. Collection method: clinical testing. Allele origin: germline.

NM_000479.5(AMH):c.5G>A (p.Arg2Gln)

Genes: AMH (anti-Mullerian hormone; plus strand), LOC108783649 (AMH 5' regulatory region; plus strand). Cytogenetic location: 19p13.3.
Variant type: single nucleotide variant.
Coding change: c.5G>A on transcript NM_000479.5 (MANE Select); coding-DNA position 5, G replaced by A.
Protein change: p.Arg2Gln; replaces arginine 2 with glutamine.
Molecular consequence: missense variant.
Genome position (GRCh38, 1-based): chr19:2,249,337, G>A. VCF-style: chr19-2249337-G-A. GRCh37 (hg19) VCF-style: chr19-2249336-G-A.
Other names: c.5G>A (NM_000479.3); short protein forms R2Q.
Identifiers: ClinVar variation 1909084 (VCV001909084.6), dbSNP rs767665662, ClinGen allele CA9062701.